The following is an entry in ClinVar:

NM_005188.4(CBL):c.1435G>T (p.Glu479Ter)

Gene: CBL (Cbl proto-oncogene; plus strand). Cytogenetic location: 11q23.3.
Variant type: single nucleotide variant.
Coding change: c.1435G>T on transcript NM_005188.4 (MANE Select); coding-DNA position 1435, G replaced by T.
Protein change: p.Glu479Ter; replaces glutamic acid 479 with a stop codon.
Molecular consequence: nonsense.
Genome position (GRCh38, 1-based): chr11:119,284,972, G>T. VCF-style: chr11-119284972-G-T. GRCh37 (hg19) VCF-style: chr11-119155682-G-T.
Other names: short protein forms E479*.
Identifiers: ClinVar variation 2753381 (VCV002753381.3), dbSNP rs2496951316, ClinGen allele CA382917633.

ClinVar aggregate classification (germline): Uncertain significance (1 of 4 stars; one submission).

Conditions:
RASopathy. Also called: rasopathies; Noonan spectrum disorder. Identifiers: Orphanet 536391, MedGen C5555857, MONDO:0021060.

Submission:

Labcorp Genetics (formerly Invitae), Labcorp
Classification: Uncertain significance for RASopathy. Last evaluated: 2023-05-31. Review status: criteria provided, single submitter. Criteria: Invitae Variant Classification Sherloc (09022015). Collection method: clinical testing. Allele origin: germline.
Comment: In summary, the available evidence is currently insufficient to determine the role of this variant in disease. Therefore, it has been classified as a Variant of Uncertain Significance. This variant has not been reported in the literature in individuals affected with CBL-related conditions. This variant is not present in population databases (gnomAD no frequency). This sequence change creates a premature translational stop signal (p.Glu479*) in the CBL gene. It is expected to result in an absent or disrupted protein product. However, the current clinical and genetic evidence is not sufficient to establish whether loss-of-function variants in CBL cause disease.